The following is an entry in ClinVar:

ClinVar aggregate classification (germline): Uncertain significance (1 of 4 stars; one submission).

Conditions:
Wilson disease (WND). Also called: Wilson's disease. Identifiers: Orphanet 905, MedGen C0019202, MONDO:0010200, OMIM 277900. Disease mechanism: loss of function.

Submission:

Labcorp Genetics (formerly Invitae), Labcorp
Classification: Uncertain significance for Wilson disease. Last evaluated: 2024-11-08. Review status: criteria provided, single submitter. Criteria: Invitae Variant Classification Sherloc (09022015). Collection method: clinical testing. Allele origin: germline.
Comment: This sequence change replaces isoleucine, which is neutral and non-polar, with valine, which is neutral and non-polar, at codon 830 of the ATP7B protein (p.Ile830Val). This variant is not present in population databases (gnomAD no frequency). This variant has not been reported in the literature in individuals affected with ATP7B-related conditions. Invitae Evidence Modeling of protein sequence and biophysical properties (such as structural, functional, and spatial information, amino acid conservation, physicochemical variation, residue mobility, and thermodynamic stability) indicates that this missense variant is not expected to disrupt ATP7B protein function with a negative predictive value of 80%. In summary, the available evidence is currently insufficient to determine the role of this variant in disease. Therefore, it has been classified as a Variant of Uncertain Significance.

NM_000053.4(ATP7B):c.2488A>G (p.Ile830Val)

Gene: ATP7B (ATPase copper transporting beta; minus strand). Cytogenetic location: 13q14.3.
Variant type: single nucleotide variant.
Coding change: c.2488A>G on transcript NM_000053.4 (MANE Select); coding-DNA position 2488, A replaced by G.
Protein change: p.Ile830Val; replaces isoleucine 830 with valine.
Molecular consequence: missense variant. On other transcripts: intron variant (1).
Genome position (GRCh38, 1-based): chr13:51,950,359, T>C on the plus strand (A>G on the coding strand, the complement: ATP7B is on the minus strand). VCF-style: chr13-51950359-T-C. GRCh37 (hg19) VCF-style: chr13-52524495-T-C.
Other names: c.2236A>G, p.Ile746Val (NM_001406540.1, NM_001330579.2, NM_001406531.1 and 1 more transcripts); c.2002A>G, p.Ile668Val (NM_001406541.1, NM_001406542.1, NM_001406546.1 and 1 more transcripts); c.2140A>G, p.Ile714Val (NM_001406543.1); c.1906A>G, p.Ile636Val (NM_001406544.1); c.1840A>G, p.Ile614Val (NM_001406545.1, NM_001406547.1); c.1286-198A>G (NM_001406548.1); c.2158A>G, p.Ile720Val (NM_001406536.1); c.2344A>G, p.Ile782Val (NM_001406537.1, NM_001406520.1, NM_001406521.1 and 1 more transcripts); and 8 more; short protein forms I819V, I636V, I714V, I750V, I782V, I830V, I614V, I687V.
Identifiers: ClinVar variation 3710978 (VCV003710978.2).